The following is an entry in ClinVar:

ClinVar aggregate classification (germline): Uncertain significance (1 of 4 stars; one submission).

Submission:

GeneDx
Classification: Uncertain significance. Last evaluated: 2026-02-05. Review status: criteria provided, single submitter. Criteria: GeneDx Variant Classification Process June 2021. Collection method: clinical testing. Allele origin: germline.
Comment: Not observed at significant frequency in large population cohorts (gnomAD); In silico analysis supports that this missense variant has a deleterious effect on protein structure/function; Has not been previously published as pathogenic or benign to our knowledge

NM_057175.5(NAA15):c.302A>G (p.Lys101Arg)

Gene: NAA15 (N-alpha-acetyltransferase 15, NatA auxiliary subunit; plus strand). Cytogenetic location: 4q31.1.
Variant type: single nucleotide variant.
Coding change: c.302A>G on transcript NM_057175.5 (MANE Select); coding-DNA position 302, A replaced by G.
Protein change: p.Lys101Arg; replaces lysine 101 with arginine.
Molecular consequence: missense variant.
Genome position (GRCh38, 1-based): chr4:139,340,969, A>G. VCF-style: chr4-139340969-A-G. GRCh37 (hg19) VCF-style: chr4-140262123-A-G.
Other names: c.302A>G, p.Lys101Arg (NM_001410842.1); short protein forms K101R.
Identifiers: ClinVar variation 4077278 (VCV004077278.2).